The following is an entry in ClinVar:

NM_001177316.2(SLC34A3):c.925+53G>C

Gene: SLC34A3 (solute carrier family 34 member 3; plus strand). Cytogenetic location: 9q34.3.
Variant type: single nucleotide variant.
Coding change: c.925+53G>C on transcript NM_001177316.2 (MANE Select); 53 bases into the intron after coding-DNA position 925, G replaced by C.
Molecular consequence: intron variant.
Genome position (GRCh38, 1-based): chr9:137,233,994, G>C. VCF-style: chr9-137233994-G-C. GRCh37 (hg19) VCF-style: chr9-140128446-G-C.
Other names: c.925+53G>C (NM_001177317.2, NM_080877.3).
Identifiers: ClinVar variation 4981567 (VCV004981567.1).
Genomic context (GRCh38, chr9:137,233,994, plus strand): 5'-GCTGCCCTGTGAGGCCCGGCCCACCCCAAGCCCCCTACACCCCCCACACTCCCCCTCACC[G>C]GCCCCTACATGGAGAGGAACAGCACAGCCCCGGCGGACAGGCTGCCCTGTGAGGCCCGGC-3'

ClinVar aggregate classification (germline): Likely benign (1 of 4 stars; one submission).

Conditions:
SLC34A3-related disorder. Also called: SLC34A3-related condition.

Submission:

PreventionGenetics, part of Exact Sciences
Classification: Likely benign for SLC34A3-related condition. Last evaluated: 2024-10-11. Review status: criteria provided, single submitter. Criteria: ACMG Guidelines, 2015. Collection method: clinical testing. Allele origin: germline.
Comment: This variant is classified as likely benign based on ACMG/AMP sequence variant interpretation guidelines (Richards et al. 2015 PMID: 25741868, with internal and published modifications).